The following is an entry in ClinVar:

ClinVar aggregate classification (germline): Uncertain significance. Review status: criteria provided, multiple submitters, no conflicts (2 of 4 stars). 2 submissions from 2 submitters: Uncertain significance (2). Last evaluated 2025-08-09.

Conditions:
Inborn genetic diseases. Identifiers: MedGen C0950123, MeSH D030342.

gnomAD v4.1: 1 of 1,611,500 alleles (0.000062%); no homozygotes.

Submissions (2):

Ambry Genetics
Classification: Uncertain significance for Inborn genetic diseases. Last evaluated: 2025-08-09. Review status: criteria provided, single submitter. Criteria: Ambry Variant Classification Scheme 2023. Collection method: clinical testing. Allele origin: germline.

Labcorp Genetics (formerly Invitae), Labcorp
Classification: Uncertain significance. Last evaluated: 2022-08-16. Review status: criteria provided, single submitter. Criteria: Invitae Variant Classification Sherloc (09022015). Collection method: clinical testing. Allele origin: germline.
Comment: Advanced modeling of protein sequence and biophysical properties (such as structural, functional, and spatial information, amino acid conservation, physicochemical variation, residue mobility, and thermodynamic stability) performed at Invitae indicates that this missense variant is expected to disrupt POC1B protein function. This variant has not been reported in the literature in individuals affected with POC1B-related conditions. This variant is not present in population databases (gnomAD no frequency). This sequence change replaces aspartic acid, which is acidic and polar, with asparagine, which is neutral and polar, at codon 207 of the POC1B protein (p.Asp207Asn). Algorithms developed to predict the effect of sequence changes on RNA splicing suggest that this variant may disrupt the consensus splice site. In summary, the available evidence is currently insufficient to determine the role of this variant in disease. Therefore, it has been classified as a Variant of Uncertain Significance.

NM_172240.3(POC1B):c.619G>A (p.Asp207Asn)

Genes: POC1B (POC1 centriolar protein B; minus strand), POC1B-DUSP6 (POC1B-DUSP6 readthrough; minus strand). Cytogenetic location: 12q21.33.
Variant type: single nucleotide variant.
Coding change: c.619G>A on transcript NM_172240.3 (MANE Select); coding-DNA position 619, G replaced by A.
Protein change: p.Asp207Asn; replaces aspartic acid 207 with asparagine.
Molecular consequence: missense variant. On other transcripts: non-coding transcript variant (2).
Genome position (GRCh38, 1-based): chr12:89,471,671, C>T on the plus strand (G>A on the coding strand, the complement: POC1B is on the minus strand). VCF-style: chr12-89471671-C-T. GRCh37 (hg19) VCF-style: chr12-89865448-C-T.
Other names: c.619G>A (NM_172240.2); c.493G>A, p.Asp165Asn (NM_001199777.2); short protein forms D207N, D165N.
Identifiers: ClinVar variation 1914923 (VCV001914923.6), dbSNP rs2540444655, ClinGen allele CA385997440.
Genomic context (GRCh38, chr12:89,471,671, plus strand): 5'-TACCTTGGTAATGCTGTAGTAATTTGTTCACTCTTACATCCCAGACTTTCACAGTTTGAT[C>T]AGAACCTGCTGAAGCTATGCATGTACCACTAGGGTTAAAGTCCACAAAATTTGCAAATCT-3'
Protein context (NP_758440.1, residues 197-217): SGTCIASAGS[Asp207Asn]QTVKVWDVRV